The following is an entry in ClinVar:

NM_006231.4(POLE):c.1847G>T (p.Arg616Leu)

Gene: POLE (DNA polymerase epsilon, catalytic subunit; minus strand). Cytogenetic location: 12q24.33.
Variant type: single nucleotide variant.
Coding change: c.1847G>T on transcript NM_006231.4 (MANE Select); coding-DNA position 1847, G replaced by T.
Protein change: p.Arg616Leu; replaces arginine 616 with leucine.
Molecular consequence: missense variant.
Genome position (GRCh38, 1-based): chr12:132,668,887, C>A on the plus strand (G>T on the coding strand, the complement: POLE is on the minus strand). VCF-style: chr12-132668887-C-A. GRCh37 (hg19) VCF-style: chr12-133245473-C-A.
Other names: short protein forms R616L.
Identifiers: ClinVar variation 662095 (VCV000662095.12), dbSNP rs764558974, ClinGen allele CA387355531.

ClinVar aggregate classification (germline): Uncertain significance. Review status: criteria provided, multiple submitters, no conflicts (2 of 4 stars). 4 submissions from 4 submitters: Uncertain significance (4). Last evaluated 2025-05-21.

Conditions:
Hereditary cancer-predisposing syndrome. Also called: Neoplastic Syndromes, Hereditary; Tumor predisposition; Hereditary neoplastic syndrome; Hereditary Cancer Syndrome. Identifiers: Orphanet 140162, MedGen C0027672, MeSH D009386, MONDO:0015356.
Familial colorectal cancer type X. Identifiers: Orphanet 440437, MedGen C3896578, MONDO:0018604.

gnomAD v4.1: 6 of 1,613,970 alleles (0.00037%); highest among the groups gnomAD compares: South Asian, 0.0011%; no homozygotes.

Submissions (4):

Labcorp Genetics (formerly Invitae), Labcorp
Classification: Uncertain significance. Last evaluated: 2025-05-21. Review status: criteria provided, single submitter. Criteria: Invitae Variant Classification Sherloc (09022015). Collection method: clinical testing. Allele origin: germline.
Comment: This sequence change replaces arginine, which is basic and polar, with leucine, which is neutral and non-polar, at codon 616 of the POLE protein (p.Arg616Leu). This variant is not present in population databases (gnomAD no frequency). This variant has not been reported in the literature in individuals affected with POLE-related conditions. ClinVar contains an entry for this variant (Variation ID: 662095). Invitae Evidence Modeling of protein sequence and biophysical properties (such as structural, functional, and spatial information, amino acid conservation, physicochemical variation, residue mobility, and thermodynamic stability) indicates that this missense variant is not expected to disrupt POLE protein function with a negative predictive value of 80%. In summary, the available evidence is currently insufficient to determine the role of this variant in disease. Therefore, it has been classified as a Variant of Uncertain Significance.

GeneDx
Classification: Uncertain significance. Last evaluated: 2023-12-22. Review status: criteria provided, single submitter. Criteria: GeneDx Variant Classification Process June 2021. Collection method: clinical testing. Allele origin: germline. Affected: yes.
Comment: Not observed at significant frequency in large population cohorts (gnomAD); In silico analysis supports that this missense variant has a deleterious effect on protein structure/function; Has not been previously published as pathogenic or benign to our knowledge; This variant is associated with the following publications: (PMID: 20951805)

Ambry Genetics
Classification: Uncertain significance for Hereditary cancer-predisposing syndrome. Last evaluated: 2023-09-13. Review status: criteria provided, single submitter. Criteria: Ambry Variant Classification Scheme 2023. Collection method: clinical testing. Allele origin: germline.
Comment: The p.R616L variant (also known as c.1847G>T), located in coding exon 17 of the POLE gene, results from a G to T substitution at nucleotide position 1847. The arginine at codon 616 is replaced by leucine, an amino acid with dissimilar properties. This amino acid position is conserved. In addition, the in silico prediction for this alteration is inconclusive. Since supporting evidence is limited at this time, the clinical significance of this alteration remains unclear.

Department of Pathology and Laboratory Medicine, Sinai Health System
Classification: Uncertain significance for Familial colorectal cancer type X. Last evaluated: 2020-08-27. Review status: criteria provided, single submitter. Criteria: ACMG Guidelines, 2015. Collection method: clinical testing. Allele origin: germline. Affected: yes.